The following is an entry in ClinVar:

ClinVar aggregate classification (germline): Uncertain significance. Review status: criteria provided, multiple submitters, no conflicts (2 of 4 stars). 2 submissions from 2 submitters: Uncertain significance (2). Last evaluated 2025-10-14.

Conditions:
Hypersulfaturia (HYSULF). Identifiers: MedGen C5830511, MONDO:0957268, OMIM 620372.
Nephrolithiasis susceptibility caused by SLC26A1 (CAON1). Also called: NEPHROLITHIASIS, CALCIUM OXALATE, 1. Identifiers: MedGen C5779632, MONDO:0020722, OMIM 167030.

gnomAD v4.1: 161 of 1,564,368 alleles (0.01%); highest among the groups gnomAD compares: Middle Eastern, 0.033%; no homozygotes.

Submissions (2):

Mayo Clinic Laboratories, Mayo Clinic
Classification: Uncertain significance. Last evaluated: 2025-10-14. Review status: criteria provided, single submitter. Criteria: ACMG Guidelines, 2015. Collection method: clinical testing. Allele origin: germline. Observed: 1 variant allele.
Comment: PP3_moderate

Fulgent Genetics
Classification: Uncertain significance for Nephrolithiasis susceptibility caused by SLC26A1; Hypersulfaturia. Last evaluated: 2024-03-09. Review status: criteria provided, single submitter. Criteria: ACMG Guidelines, 2015. Collection method: clinical testing. Allele origin: germline.

Literature cited by the submitters: PubMed 36719378 (cited by Mayo Clinic Laboratories, Mayo Clinic).

NM_022042.4(SLC26A1):c.1543C>T (p.Arg515Cys)

Genes: IDUA (alpha-L-iduronidase; plus strand), SLC26A1 (solute carrier family 26 member 1; minus strand). Cytogenetic location: 4p16.3.
Variant type: single nucleotide variant.
Coding change: c.1543C>T on transcript NM_022042.4 (MANE Select); coding-DNA position 1543, C replaced by T.
Protein change: p.Arg515Cys; replaces arginine 515 with cysteine.
Molecular consequence: missense variant. On other transcripts: intron variant (2).
Genome position (GRCh38, 1-based): chr4:989,396, G>A on the plus strand (C>T on the coding strand, the complement: SLC26A1 is on the minus strand). VCF-style: chr4-989396-G-A. GRCh37 (hg19) VCF-style: chr4-983184-G-A.
Other names: p.Arg515Cys; c.1543C>T, p.Arg515Cys (NM_213613.4); c.576+1732C>T (NM_134425.4); c.299+1447G>A (NM_000203.5); short protein forms R515C.
Identifiers: ClinVar variation 3591485 (VCV003591485.2).